The following is an entry in ClinVar:

NM_005257.6(GATA6):c.1190A>T (p.Gln397Leu)

Gene: GATA6 (GATA binding protein 6; plus strand). Cytogenetic location: 18q11.2.
Variant type: single nucleotide variant.
Coding change: c.1190A>T on transcript NM_005257.6 (MANE Select); coding-DNA position 1190, A replaced by T.
Protein change: p.Gln397Leu; replaces glutamine 397 with leucine.
Molecular consequence: missense variant.
Genome position (GRCh38, 1-based): chr18:22,177,009, A>T. VCF-style: chr18-22177009-A-T. GRCh37 (hg19) VCF-style: chr18-19756970-A-T.
Other names: short protein forms Q397L.
Identifiers: ClinVar variation 4077284 (VCV004077284.1).
Genomic context (GRCh38, chr18:22,177,009, plus strand): 5'-CCGCAGACCTGCTGGAGGACCTGTCCGAGAGCCGCGAGTGCGTGAACTGCGGCTCCATCC[A>T]GACGCCGCTGTGGCGGCGGGACGGCACCGGCCACTACCTGTGCAACGCCTGCGGGCTCTA-3'
Protein context (NP_005248.2, residues 387-407): SRECVNCGSI[Gln397Leu]TPLWRRDGTG

ClinVar aggregate classification (germline): Uncertain significance (1 of 4 stars; one submission).

Submission:

GeneDx
Classification: Uncertain significance. Last evaluated: 2025-02-22. Review status: criteria provided, single submitter. Criteria: GeneDx Variant Classification Process June 2021. Collection method: clinical testing. Allele origin: germline. Affected: yes.
Comment: Not observed at significant frequency in large population cohorts (gnomAD); In silico analysis supports that this missense variant has a deleterious effect on protein structure/function; Has not been previously published as pathogenic or benign to our knowledge